The following is an entry in ClinVar:

NM_004336.5(BUB1):c.2083G>A (p.Val695Ile)

Gene: BUB1 (BUB1 mitotic checkpoint serine/threonine kinase; minus strand). Cytogenetic location: 2q13.
Variant type: single nucleotide variant.
Coding change: c.2083G>A on transcript NM_004336.5 (MANE Select); coding-DNA position 2083, G replaced by A.
Protein change: p.Val695Ile; replaces valine 695 with isoleucine.
Molecular consequence: missense variant.
Genome position (GRCh38, 1-based): chr2:110,650,666, C>T on the plus strand (G>A on the coding strand, the complement: BUB1 is on the minus strand). VCF-style: chr2-110650666-C-T. GRCh37 (hg19) VCF-style: chr2-111408243-C-T.
Other names: c.2023G>A, p.Val675Ile (NM_001278616.2); c.2083G>A, p.Val695Ile (NM_001278617.2); short protein forms V675I, V695I.
Identifiers: ClinVar variation 2464665 (VCV002464665.6), dbSNP rs751489579, ClinGen allele CA1827895.

ClinVar aggregate classification (germline): Uncertain significance. Review status: criteria provided, multiple submitters, no conflicts (2 of 4 stars). 2 submissions from 2 submitters: Uncertain significance (2). Last evaluated 2025-05-01.

Allele frequency attached by ClinVar (database versions not stated): ExAC 0.00002; TOPMed 0.00006; gnomAD 0.00004.
gnomAD v4.1: 81 of 1,613,860 alleles (0.005%); highest among the groups gnomAD compares: South Asian, 0.0077%; no homozygotes.

Submissions (2):

Labcorp Genetics (formerly Invitae), Labcorp
Classification: Uncertain significance. Last evaluated: 2025-05-01. Review status: criteria provided, single submitter. Criteria: Invitae Variant Classification Sherloc (09022015). Collection method: clinical testing. Allele origin: germline.
Comment: This sequence change replaces valine, which is neutral and non-polar, with isoleucine, which is neutral and non-polar, at codon 695 of the BUB1 protein (p.Val695Ile). This variant is present in population databases (rs751489579, gnomAD 0.006%). This variant has not been reported in the literature in individuals affected with BUB1-related conditions. ClinVar contains an entry for this variant (Variation ID: 2464665). Experimental studies and prediction algorithms are not available or were not evaluated, and the functional significance of this variant is currently unknown. In summary, the available evidence is currently insufficient to determine the role of this variant in disease. Therefore, it has been classified as a Variant of Uncertain Significance.

Ambry Genetics
Classification: Uncertain significance. Last evaluated: 2024-05-02. Review status: criteria provided, single submitter. Criteria: Ambry Variant Classification Scheme 2023. Collection method: clinical testing. Allele origin: germline.